The following is an entry in ClinVar:

ClinVar aggregate classification (germline): Pathogenic (1 of 4 stars; one submission).

Allele frequency attached by ClinVar (database versions not stated): ExAC 0.00001; gnomAD 0.00001; gnomAD exomes 0.00001.
gnomAD v4.1: 11 of 1,613,800 alleles (0.00068%); highest among the groups gnomAD compares: Non-Finnish European, 0.00093%; no homozygotes.

Submission:

Labcorp Genetics (formerly Invitae), Labcorp
Classification: Pathogenic. Last evaluated: 2022-11-22. Review status: criteria provided, single submitter. Criteria: Invitae Variant Classification Sherloc (09022015). Collection method: clinical testing. Allele origin: germline.
Comment: For these reasons, this variant has been classified as Pathogenic. Algorithms developed to predict the effect of sequence changes on RNA splicing suggest that this variant may disrupt the consensus splice site. This variant has not been reported in the literature in individuals affected with ASCC1-related conditions. This variant is present in population databases (rs781528301, gnomAD 0.0009%). This sequence change creates a premature translational stop signal (p.Trp271*) in the ASCC1 gene. It is expected to result in an absent or disrupted protein product. Loss-of-function variants in ASCC1 are known to be pathogenic (PMID: 30327447).

Literature cited by the submitters: PubMed 30327447.

NM_001198800.3(ASCC1):c.812G>A (p.Trp271Ter)

Gene: ASCC1 (activating signal cointegrator 1 complex subunit 1; minus strand). Cytogenetic location: 10q22.1.
Variant type: single nucleotide variant.
Coding change: c.812G>A on transcript NM_001198800.3 (MANE Select); coding-DNA position 812, G replaced by A.
Protein change: p.Trp271Ter; replaces tryptophan 271 with a stop codon.
Molecular consequence: nonsense. On other transcripts: non-coding transcript variant (1).
Genome position (GRCh38, 1-based): chr10:72,133,116, C>T on the plus strand (G>A on the coding strand, the complement: ASCC1 is on the minus strand). VCF-style: chr10-72133116-C-T. GRCh37 (hg19) VCF-style: chr10-73892874-C-T.
Other names: c.812G>A, p.Trp271Ter (NM_001198798.2, NM_001369087.1, NM_001369088.1 and 12 more transcripts); c.896G>A, p.Trp299Ter (NM_001198799.3); c.878G>A, p.Trp293Ter (NM_001369085.1, NM_001369086.1); c.758G>A, p.Trp253Ter (NM_001369099.1); c.692G>A, p.Trp231Ter (NM_001369100.1, NM_001369103.1, NM_001369104.1 and 3 more transcripts); c.695G>A, p.Trp232Ter (NM_001369101.1, NM_001369102.1, NM_001369105.1 and 2 more transcripts); short protein forms W232*, W253*, W293*, W231*, W271*, W299*.
Identifiers: ClinVar variation 2192453 (VCV002192453.4), dbSNP rs781528301, ClinGen allele CA5548915.
Genomic context (GRCh38, chr10:72,133,116, plus strand): 5'-CCATTGGGGTCTTTCCTGAATAGTGTATTCATAACTGTAGCATGCAGTTTCACACTATTC[C>T]ACTCTTTCACTATTAGTCCAGATGCCTGAAAACGTTCCAGCACTCGATCAACTAATTCTT-3'